The following is an entry in ClinVar:

ClinVar aggregate classification (germline): Uncertain significance (0 of 4 stars; one submission).

Conditions:
GANAB-related disorder. Also called: GANAB-related condition.

Submission:

PreventionGenetics, part of Exact Sciences
Classification: Uncertain significance for GANAB-related condition. Last evaluated: 2024-02-08. Review status: no assertion criteria provided. Collection method: clinical testing. Allele origin: germline.
Comment: The GANAB c.971T>C variant is predicted to result in the amino acid substitution p.Leu324Pro. To our knowledge, this variant has not been reported in the literature or in a large population database, indicating this variant is rare. At this time, the clinical significance of this variant is uncertain due to the absence of conclusive functional and genetic evidence.

NM_198334.3(GANAB):c.905T>C (p.Leu302Pro)

Gene: GANAB (glucosidase II alpha subunit; minus strand). Cytogenetic location: 11q12.3.
Variant type: single nucleotide variant.
Coding change: c.905T>C on transcript NM_198334.3 (MANE Select); coding-DNA position 905, T replaced by C.
Protein change: p.Leu302Pro; replaces leucine 302 with proline.
Molecular consequence: missense variant.
Genome position (GRCh38, 1-based): chr11:62,632,656, A>G on the plus strand (T>C on the coding strand, the complement: GANAB is on the minus strand). VCF-style: chr11-62632656-A-G. GRCh37 (hg19) VCF-style: chr11-62400128-A-G.
Other names: c.629T>C, p.Leu210Pro (NM_001278192.2); c.563T>C, p.Leu188Pro (NM_001278193.2); c.614T>C, p.Leu205Pro (NM_001278194.2, NM_001329222.2, NM_001329223.2); c.182T>C, p.Leu61Pro (NM_001329224.2, NM_001329225.2); c.971T>C, p.Leu324Pro (NM_198335.4); short protein forms L188P, L205P, L210P, L302P, L324P, L61P.
Identifiers: ClinVar variation 3061420 (VCV003061420.2), dbSNP rs2496354081, ClinGen allele CA380994739.